The following is an entry in ClinVar:

NM_001365536.1(SCN9A):c.2521C>T (p.Arg841Ter)

Genes: SCN9A (sodium voltage-gated channel alpha subunit 9; minus strand), SCN1A-AS1 (SCN1A and SCN9A antisense RNA 1; plus strand). Cytogenetic location: 2q24.3.
Variant type: single nucleotide variant.
Coding change: c.2521C>T on transcript NM_001365536.1 (MANE Select); coding-DNA position 2521, C replaced by T.
Protein change: p.Arg841Ter; replaces arginine 841 with a stop codon.
Molecular consequence: nonsense.
Genome position (GRCh38, 1-based): chr2:166,277,336, G>A on the plus strand (C>T on the coding strand, the complement: SCN9A is on the minus strand). VCF-style: chr2-166277336-G-A. GRCh37 (hg19) VCF-style: chr2-167133846-G-A.
Other names: c.2488C>T, p.Arg830Ter (NM_002977.4); short protein forms R830*, R841*.
Identifiers: ClinVar variation 440257 (VCV000440257.19), dbSNP rs780673293, ClinGen allele CA1944248.

ClinVar aggregate classification (germline): Pathogenic/Likely pathogenic. Review status: criteria provided, multiple submitters, no conflicts (2 of 4 stars). 4 submissions from 4 submitters: Pathogenic (3); Likely pathogenic (1). Last evaluated 2026-01-26.

Conditions:
Channelopathy-associated congenital insensitivity to pain, autosomal recessive. Also called: CONGENITAL ANALGESIA, AUTOSOMAL RECESSIVE; Insensitivity to pain, channelopathy-associated; ASYMBOLIA FOR PAIN. Identifiers: Orphanet 88642, Orphanet 970, MedGen C1855739, MONDO:0009459, OMIM 243000.
Generalized epilepsy with febrile seizures plus, type 7 (GEFSP7). Also called: GEFS+, TYPE 7. Identifiers: Orphanet 36387, MedGen C2751778, MONDO:0013470, OMIM 613863.
Neuropathy, hereditary sensory and autonomic, type 2A (HSAN2A). Also called: MORVAN DISEASE; NEUROPATHY, CONGENITAL SENSORY; NEUROPATHY, HEREDITARY SENSORY RADICULAR, AUTOSOMAL RECESSIVE; NEUROPATHY, HEREDITARY SENSORY, TYPE IIA; NEUROPATHY, PROGRESSIVE SENSORY, OF CHILDREN; HSAN IIA. Identifiers: Orphanet 970, MedGen C2752089, MONDO:0024309, OMIM 201300.

Allele frequency attached by ClinVar (database versions not stated): gnomAD 0.00001; ExAC 0.00002; gnomAD exomes 0.00002; TOPMed 0.00002.
gnomAD v4.1: 18 of 1,590,856 alleles (0.0011%); highest among the groups gnomAD compares: East Asian, 0.0045%; no homozygotes.

Submissions (4):

Medical and Scientific Branch, Hong Kong Genome Institute
Classification: Likely pathogenic for Channelopathy-associated congenital insensitivity to pain, autosomal recessive. Last evaluated: 2026-01-26. Review status: criteria provided, single submitter. Criteria: ACMG Guidelines, 2015. Collection method: clinical testing. Allele origin: unknown. Affected: yes.

Labcorp Genetics (formerly Invitae), Labcorp
Classification: Pathogenic for Neuropathy, hereditary sensory and autonomic, type 2A; Generalized epilepsy with febrile seizures plus, type 7. Last evaluated: 2026-01-06. Review status: criteria provided, single submitter. Criteria: Invitae Variant Classification Sherloc (09022015). Collection method: clinical testing. Allele origin: germline.
Comment: This sequence change creates a premature translational stop signal (p.Arg830*) in the SCN9A gene. It is expected to result in an absent or disrupted protein product. Loss-of-function variants in SCN9A are known to be pathogenic (PMID: 17470132, 19304393). This variant is present in population databases (rs780673293, gnomAD 0.01%). This premature translational stop signal has been observed in individual(s) with autosomal recessive congenital insensitivity to pain (PMID: 17470132, 25253744). It has also been observed to segregate with disease in related individuals. ClinVar contains an entry for this variant (Variation ID: 440257). For these reasons, this variant has been classified as Pathogenic.

Women's Health and Genetics/Laboratory Corporation of America, LabCorp
Classification: Pathogenic for Channelopathy-associated congenital insensitivity to pain, autosomal recessive. Last evaluated: 2023-09-28. Review status: criteria provided, single submitter. Criteria: LabCorp Variant Classification Summary - May 2015. Collection method: clinical testing. Allele origin: germline.
Comment: Variant summary: SCN9A c.2488C>T (p.Arg830X) results in a premature termination codon, predicted to cause a truncation of the encoded protein or absence of the protein due to nonsense mediated decay, which are commonly known mechanisms for disease. Variants downstream of this position have been classified as pathogenic in ClinVar. The variant allele was found at a frequency of 2.1e-05 in 243578 control chromosomes (gnomAD). c.2488C>T has been reported in the literature in individuals affected with Indifference To Pain, Congenital, Autosomal Recessive (example: Goldberg_2007). These data indicate that the variant is likely to be associated with disease. At least one publication reports experimental evidence evaluating an impact on protein function. The most pronounced variant effect results in total loss of channel function (example: McDermott_2019). The following publications have been ascertained in the context of this evaluation (PMID: 17470132, 30795902). Two submitters have cited clinical-significance assessments for this variant to ClinVar after 2014. All submitters classified the variant as pathogenic. Based on the evidence outlined above, the variant was classified as pathogenic.

ARUP Laboratories, Molecular Genetics and Genomics, ARUP Laboratories
Classification: Pathogenic. Last evaluated: 2017-02-02. Review status: criteria provided, single submitter. Criteria: ARUP Molecular Germline Variant Investigation Process. Collection method: clinical testing. Allele origin: germline.

Literature cited by the submitters: PubMed 17470132 (cited by Labcorp Genetics (formerly Invitae), Labcorp and Women's Health and Genetics/Laboratory Corporation of America, LabCorp); PubMed 19304393 (cited by Labcorp Genetics (formerly Invitae), Labcorp); PubMed 25253744 (cited by Labcorp Genetics (formerly Invitae), Labcorp); PubMed 30795902 (cited by Women's Health and Genetics/Laboratory Corporation of America, LabCorp).